The following is an entry in ClinVar:

ClinVar aggregate classification (germline): Conflicting classifications of pathogenicity. Review status: criteria provided, conflicting classifications (1 of 4 stars). 4 submissions from 4 submitters: Uncertain significance (3); Likely benign (1). Last evaluated 2026-04-21.

Conditions:
Hereditary cancer-predisposing syndrome. Also called: Tumor predisposition; Hereditary neoplastic syndrome; Neoplastic Syndromes, Hereditary; Hereditary Cancer Syndrome. Identifiers: Orphanet 140162, MedGen C0027672, MeSH D009386, MONDO:0015356.
Birt-Hogg-Dube syndrome. Also called: Birt Hogg Dubé syndrome. Identifiers: Orphanet 122, MedGen C0346010, MONDO:0800444.
Colorectal cancer. Also called: Malignant Colorectal Neoplasm; Colorectal cancer, somatic. Identifiers: MedGen C0346629, MONDO:0005575, OMIM 114500.
Familial spontaneous pneumothorax (PSP). Identifiers: Orphanet 2903, MedGen C1868193, MONDO:0008259, OMIM 173600.
17p11.2 microduplication syndrome (PTLS). Also called: CHROMOSOME 17p11.2 DUPLICATION SYNDROME; Potocki-Lupski syndrome; Duplication 17p11.2 syndrome; Potocki-Lupski syndrome (dup(17)(p11.2p11.2)). Identifiers: Orphanet 1713, MedGen C2931246, MONDO:0012574, OMIM 610883.
Nonpapillary renal cell carcinoma. Identifiers: Orphanet 422526, MedGen CN074294, MONDO:0007763, OMIM 144700.

Allele frequency attached by ClinVar (database versions not stated): gnomAD exomes below 0.00001.
gnomAD v4.1: 5 of 1,614,228 alleles (0.00031%); highest among the groups gnomAD compares: East Asian, 0.0022%; no homozygotes.

Submissions (4):

Ambry Genetics
Classification: Likely benign for Hereditary cancer-predisposing syndrome. Last evaluated: 2026-04-21. Review status: criteria provided, single submitter. Criteria: Ambry Variant Classification Scheme 2023. Collection method: clinical testing. Allele origin: germline.

Labcorp Genetics (formerly Invitae), Labcorp
Classification: Uncertain significance for Birt-Hogg-Dube syndrome. Last evaluated: 2025-11-10. Review status: criteria provided, single submitter. Criteria: Invitae Variant Classification Sherloc (09022015). Collection method: clinical testing. Allele origin: germline.
Comment: This sequence change replaces serine, which is neutral and polar, with leucine, which is neutral and non-polar, at codon 243 of the FLCN protein (p.Ser243Leu). This variant is not present in population databases (gnomAD no frequency). This variant has not been reported in the literature in individuals affected with FLCN-related conditions. ClinVar contains an entry for this variant (Variation ID: 529987). Invitae Evidence Modeling of protein sequence and biophysical properties (such as structural, functional, and spatial information, amino acid conservation, physicochemical variation, residue mobility, and thermodynamic stability) indicates that this missense variant is not expected to disrupt FLCN protein function with a negative predictive value of 80%. In summary, the available evidence is currently insufficient to determine the role of this variant in disease. Therefore, it has been classified as a Variant of Uncertain Significance.

GeneDx
Classification: Uncertain significance. Last evaluated: 2024-04-05. Review status: criteria provided, single submitter. Criteria: GeneDx Variant Classification Process June 2021. Collection method: clinical testing. Allele origin: germline. Affected: yes.
Comment: Not observed at significant frequency in large population cohorts (gnomAD); In silico analysis supports that this missense variant does not alter protein structure/function; Identified in individuals with renal cancer (PMID: 25401301); This variant is associated with the following publications: (PMID: 25401301)

Fulgent Genetics
Classification: Uncertain significance for Colorectal cancer; Birt-Hogg-Dube syndrome 1; Nonpapillary renal cell carcinoma; Familial spontaneous pneumothorax; 17p11.2 microduplication syndrome. Last evaluated: 2022-04-26. Review status: criteria provided, single submitter. Criteria: ACMG Guidelines, 2015. Collection method: clinical testing. Allele origin: unknown.

Literature cited by the submitters: PubMed 25401301 (cited by Ambry Genetics).

NM_144997.7(FLCN):c.728C>T (p.Ser243Leu)

Gene: FLCN (folliculin; minus strand). Cytogenetic location: 17p11.2.
Variant type: single nucleotide variant.
Coding change: c.728C>T on transcript NM_144997.7 (MANE Select); coding-DNA position 728, C replaced by T.
Protein change: p.Ser243Leu; replaces serine 243 with leucine.
Molecular consequence: missense variant.
Genome position (GRCh38, 1-based): chr17:17,222,552, G>A on the plus strand (C>T on the coding strand, the complement: FLCN is on the minus strand). VCF-style: chr17-17222552-G-A. GRCh37 (hg19) VCF-style: chr17-17125866-G-A.
Other names: c.728C>T (LRG_325t1); c.782C>T, p.Ser261Leu (NM_001353229.2); c.728C>T, p.Ser243Leu (NM_001353230.2, NM_001353231.2, NM_144606.7); short protein forms S243L, S261L.
Identifiers: ClinVar variation 529987 (VCV000529987.16), dbSNP rs1026067642, ClinGen allele CA288315500.